The following is an entry in ClinVar:

ClinVar aggregate classification (germline): Uncertain significance. Review status: criteria provided, multiple submitters, no conflicts (2 of 4 stars). 2 submissions from 2 submitters: Uncertain significance (2). Last evaluated 2024-06-25.

Conditions:
Hereditary cancer-predisposing syndrome. Also called: Tumor predisposition; Hereditary neoplastic syndrome; Hereditary Cancer Syndrome; Neoplastic Syndromes, Hereditary. Identifiers: Orphanet 140162, MedGen C0027672, MeSH D009386, MONDO:0015356.
Haddad syndrome (OHD). Also called: Ondine-Hirschsprung disease. Identifiers: Orphanet 99803, MedGen C1859049, MONDO:0020493.

Submissions (2):

Labcorp Genetics (formerly Invitae), Labcorp
Classification: Uncertain significance for Haddad syndrome. Last evaluated: 2024-06-25. Review status: criteria provided, single submitter. Criteria: Invitae Variant Classification Sherloc (09022015). Collection method: clinical testing. Allele origin: germline.
Comment: This sequence change replaces methionine, which is neutral and non-polar, with isoleucine, which is neutral and non-polar, at codon 18 of the PHOX2B protein (p.Met18Ile). This variant is not present in population databases (gnomAD no frequency). This variant has not been reported in the literature in individuals affected with PHOX2B-related conditions. ClinVar contains an entry for this variant (Variation ID: 1052219). An algorithm developed to predict the effect of missense changes on protein structure and function (PolyPhen-2) suggests that this variant is likely to be tolerated. In summary, the available evidence is currently insufficient to determine the role of this variant in disease. Therefore, it has been classified as a Variant of Uncertain Significance.

Ambry Genetics
Classification: Uncertain significance for Hereditary cancer-predisposing syndrome. Last evaluated: 2022-01-11. Review status: criteria provided, single submitter. Criteria: Ambry Variant Classification Scheme 2023. Collection method: clinical testing. Allele origin: germline.
Comment: The p.M18I variant (also known as c.54G>A), located in coding exon 1 of the PHOX2B gene, results from a G to A substitution at nucleotide position 54. The methionine at codon 18 is replaced by isoleucine, an amino acid with highly similar properties. This amino acid position is highly conserved in available vertebrate species. In addition, the in silico prediction for this alteration is inconclusive. Since supporting evidence is limited at this time, the clinical significance of this alteration remains unclear.

NM_003924.4(PHOX2B):c.54G>A (p.Met18Ile)

Genes: PHOX2B-AS1 (PHOX2B antisense RNA 1; plus strand), PHOX2B (paired like homeobox 2B; minus strand). Cytogenetic location: 4p13.
Variant type: single nucleotide variant.
Coding change: c.54G>A on transcript NM_003924.4 (MANE Select); coding-DNA position 54, G replaced by A.
Protein change: p.Met18Ile; replaces methionine 18 with isoleucine.
Molecular consequence: missense variant.
Genome position (GRCh38, 1-based): chr4:41,748,557, C>T on the plus strand (G>A on the coding strand, the complement: PHOX2B is on the minus strand). VCF-style: chr4-41748557-C-T. GRCh37 (hg19) VCF-style: chr4-41750574-C-T.
Other names: short protein forms M18I.
Identifiers: ClinVar variation 1052219 (VCV001052219.11), dbSNP rs2153113073, ClinGen allele CA356741240.
Genomic context (GRCh38, chr4:41,748,557, plus strand): 5'-CTGGCTGCAGGAACTGAAGTCAGCATAGGCTGAAGCCAGGCTCGAGGTGTCCATCCCAGC[C>T]ATACAGGACTCGTAGGCAGAGGAATTGAGGTAAGAATATTCCATTTTATACATTGAAAAG-3'
Protein context (NP_003915.2, residues 8-28): YLNSSAYESC[Met18Ile]AGMDTSSLAS